The following is an entry in ClinVar:

ClinVar aggregate classification (germline): Conflicting classifications of pathogenicity. Review status: criteria provided, conflicting classifications (1 of 4 stars). 8 submissions from 7 submitters: Uncertain significance (1); Benign (5); Likely benign (2). Last evaluated 2025-12-26.

Conditions:
Catecholaminergic polymorphic ventricular tachycardia (CVPT). Also called: Catecholamine-induced polymorphic ventricular tachycardia. Identifiers: Orphanet 3286, MedGen C5574922, MONDO:0017990.
Cardiovascular phenotype. Identifiers: MedGen CN230736.
Cardiomyopathy (CMYO). Also called: Cardiomyopathies. Identifiers: Orphanet 167848, MedGen C0878544, MONDO:0004994, HP:0001638. Inheritance: Various modes of inheritance.
Catecholaminergic polymorphic ventricular tachycardia 1. Also called: RYR2-Related Catecholaminergic Polymorphic Ventricular Tachycardia; VENTRICULAR TACHYCARDIA, CATECHOLAMINERGIC POLYMORPHIC, 1, WITH OR WITHOUT ATRIAL DYSFUNCTION AND/OR DILATED CARDIOMYOPATHY; VENTRICULAR TACHYCARDIA, STRESS-INDUCED POLYMORPHIC 1. Identifiers: Orphanet 3286, MedGen C1631597, MONDO:0011484, OMIM 604772.
Arrhythmogenic right ventricular dysplasia 2. Identifiers: MedGen C1832931.

Allele frequency attached by ClinVar (database versions not stated): gnomAD 0.00004 and 0.00007; gnomAD exomes 0.00004 and 0.00009; ExAC 0.00009; TOPMed 0.00010; 1000 Genomes Project 0.00060; 1000 Genomes Project 30x 0.00094.
gnomAD v4.1: 69 of 1,613,938 alleles (0.0043%); highest among the groups gnomAD compares: East Asian, 0.15%; no homozygotes.

Submissions (8):

Labcorp Genetics (formerly Invitae), Labcorp
Classification: Benign for Catecholaminergic polymorphic ventricular tachycardia 1. Last evaluated: 2025-12-26. Review status: criteria provided, single submitter. Criteria: Invitae Variant Classification Sherloc (09022015). Collection method: clinical testing. Allele origin: germline.

Ambry Genetics
Classification: Likely benign for Cardiovascular phenotype. Last evaluated: 2024-03-24. Review status: criteria provided, single submitter. Criteria: Ambry Variant Classification Scheme 2023. Collection method: clinical testing. Allele origin: germline.

All of Us Research Program, National Institutes of Health
Classification: Benign for Catecholaminergic polymorphic ventricular tachycardia. Last evaluated: 2023-12-01. Review status: criteria provided, single submitter. Criteria: ACMG Guidelines, 2015. Collection method: clinical testing. Allele origin: germline. Inheritance: Autosomal dominant inheritance. Observed: 7 variant alleles, 7 heterozygotes.
Comment: This study involves interpretation of variants in research participants for the purpose of population health screening. Participant phenotype was not available at the time of variant classification. Additional details can be found in publication PMID: 35346344, PMCID: PMC8962531

Color Diagnostics, LLC DBA Color Health
Classification: Benign for Cardiomyopathy. Last evaluated: 2018-09-28. Review status: criteria provided, single submitter. Criteria: ACMG Guidelines, 2015. Collection method: clinical testing. Allele origin: germline.

Illumina Laboratory Services, Illumina
Classification: Likely benign for Catecholaminergic polymorphic ventricular tachycardia 1. Last evaluated: 2018-01-13. Review status: criteria provided, single submitter. Criteria: ICSL Variant Classification Criteria 13 December 2019. Collection method: clinical testing. Allele origin: germline.
Comment: This variant was observed in the ICSL laboratory as part of a predisposition screen in an ostensibly healthy population. It had not been previously curated by ICSL or reported in the Human Gene Mutation Database (HGMD: prior to June 1st, 2018), and was therefore a candidate for classification through an automated scoring system. Utilizing variant allele frequency, disease prevalence and penetrance estimates, and inheritance mode, an automated score was calculated to assess if this variant is too frequent to cause the disease. Based on the score and internal cut-off values, a variant classified as likely benign is not then subjected to further curation. The score for this variant resulted in a classification of likely benign for this disease.

Illumina Laboratory Services, Illumina
Classification: Uncertain significance for Catecholaminergic polymorphic ventricular tachycardia 1. Last evaluated: 2018-01-13. Review status: criteria provided, single submitter. Criteria: ICSL Variant Classification Criteria 13 December 2019. Collection method: clinical testing. Allele origin: germline.

Women's Health and Genetics/Laboratory Corporation of America, LabCorp
Classification: Benign. Last evaluated: 2016-10-31. Review status: criteria provided, single submitter. Criteria: LabCorp Variant Classification Summary - May 2015. Collection method: clinical testing. Allele origin: germline.
Comment: Variant summary: The c.12858C>T (p.Ser4286=) in RYR2 gene is a synonymous change that involves a non-conserved nucleotide. 5/5 programs in Alamut predict that this variant does not affect a normal splicing, however no functional studies supporting this notion were published at the time of evaluation. The variant is present in control population dataset of ExAC at a frequency of 0.00009 (11/120046 chrs tested), exclusively in individuals of East Asian descent (0.0013; 11/8480 chrs tested). These frequencies exceed the estimated maximal expected allele frequency of a pathogenic variant in RYR2 gene (0.00005). The variant has not, to our knowledge, been reported in affected individuals , but was cited as Benign by a reputable database/clinical laboratory. Taking together, the variant was classified as Benign.

GeneDx
Classification: Benign. Last evaluated: 2014-10-31. Review status: criteria provided, single submitter. Criteria: GeneDx Variant Classification (06012015). Collection method: clinical testing. Allele origin: germline. Affected: yes.
Comment: This variant is considered likely benign or benign based on one or more of the following criteria: it is a conservative change, it occurs at a poorly conserved position in the protein, it is predicted to be benign by multiple in silico algorithms, and/or has population frequency not consistent with disease.

NM_001035.3(RYR2):c.12858C>T (p.Ser4286=)

Genes: RYR2 (ryanodine receptor 2; plus strand), LOC126806068 (BRD4-independent group 4 enhancer GRCh37_chr1:237947411-237948610; plus strand). Cytogenetic location: 1q43.
Variant type: single nucleotide variant.
Coding change: c.12858C>T on transcript NM_001035.3 (MANE Select); coding-DNA position 12858, C replaced by T.
Protein change: p.Ser4286=; no amino-acid change (serine 4286 retained).
Molecular consequence: synonymous variant.
Genome position (GRCh38, 1-based): chr1:237,784,570, C>T. VCF-style: chr1-237784570-C-T. GRCh37 (hg19) VCF-style: chr1-237947870-C-T.
Other names: p.S4286S:TCC>TCT; c.12858C>T, p.Ser4286= (LRG_402t1).
Identifiers: ClinVar variation 201185 (VCV000201185.21), dbSNP rs185482345, ClinGen allele CA007721.